The following is an entry in ClinVar:

NM_001401501.2(MUC16):c.39437C>T (p.Thr13146Ile)

Gene: MUC16 (mucin 16, cell surface associated; minus strand). Cytogenetic location: 19p13.2.
Variant type: single nucleotide variant.
Coding change: c.39437C>T on transcript NM_001401501.2 (MANE Select); coding-DNA position 39437, C replaced by T.
Protein change: p.Thr13146Ile; replaces threonine 13146 with isoleucine.
Molecular consequence: missense variant.
Genome position (GRCh38, 1-based): chr19:8,897,625, G>A on the plus strand (C>T on the coding strand, the complement: MUC16 is on the minus strand). VCF-style: chr19-8897625-G-A. GRCh37 (hg19) VCF-style: chr19-9008301-G-A.
Other names: c.39863C>T, p.Thr13288Ile (NM_001414686.1); c.39317C>T, p.Thr13106Ile (NM_001414687.1); c.39251C>T, p.Thr13084Ile (NM_024690.2); short protein forms T13084I, T13106I, T13146I, T13288I.
Identifiers: ClinVar variation 3044399 (VCV003044399.2), dbSNP rs972738050, ClinGen allele CA305080058.
Genomic context (GRCh38, chr19:8,897,625, plus strand): 5'-CTCAGCTGCCAGTACAGCTGCTCCCTGTCCAGTCCAGGGCTTTGAGGGTTAAGGTGGTGG[G>A]TGCAGATGGCATCCACTCCAGTGGCTGCCCCATCCTTCTCAGACCTGGGGAAGGTAGGTG-3'
Protein context (NP_001388430.1, residues 13136-13156): GAATGVDAIC[Thr13146Ile]HHLNPQSPGL

ClinVar aggregate classification (germline): Benign (0 of 4 stars; one submission).

Conditions:
MUC16-related disorder. Also called: MUC16-related condition.

Allele frequency attached by ClinVar (database versions not stated): 1000 Genomes Project 30x 0.16287.

Submission:

PreventionGenetics, part of Exact Sciences
Classification: Benign for MUC16-related condition. Last evaluated: 2019-06-06. Review status: no assertion criteria provided. Collection method: clinical testing. Allele origin: germline.
Comment: This variant is classified as benign based on ACMG/AMP sequence variant interpretation guidelines (Richards et al. 2015 PMID: 25741868, with internal and published modifications).